The following is an entry in ClinVar:

NM_001048174.2(MUTYH):c.949C>T (p.Pro317Ser)

Gene: MUTYH (mutY DNA glycosylase; minus strand). Cytogenetic location: 1p34.1.
Variant type: single nucleotide variant.
Coding change: c.949C>T on transcript NM_001048174.2 (MANE Select); coding-DNA position 949, C replaced by T.
Protein change: p.Pro317Ser; replaces proline 317 with serine.
Molecular consequence: missense variant. On other transcripts: non-coding transcript variant (2).
Genome position (GRCh38, 1-based): chr1:45,331,814, G>A on the plus strand (C>T on the coding strand, the complement: MUTYH is on the minus strand). VCF-style: chr1-45331814-G-A. GRCh37 (hg19) VCF-style: chr1-45797486-G-A.
Other names: c.949C>T, p.Pro317Ser (NM_001293195.2, NM_001048171.2, NM_001048173.2); c.673C>T, p.Pro225Ser (NM_001293196.2, NM_001293192.2); c.604C>T, p.Pro202Ser (NM_001350650.2, NM_001350651.2); c.1024C>T, p.Pro342Ser (NM_012222.3); c.952C>T, p.Pro318Ser (NM_001048172.2); c.1033C>T, p.Pro345Ser (NM_001128425.2); c.994C>T, p.Pro332Ser (NM_001293190.2); c.982C>T, p.Pro328Ser (NM_001293191.2); short protein forms P345S, P318S, P328S, P332S, P202S, P225S, P317S, P342S.
Identifiers: ClinVar variation 579535 (VCV000579535.9), dbSNP rs1377976805, ClinGen allele CA340133816.

ClinVar aggregate classification (germline): Conflicting classifications of pathogenicity. Review status: criteria provided, conflicting classifications (1 of 4 stars). 2 submissions from 2 submitters: Uncertain significance (1); Likely benign (1). Last evaluated 2026-05-12.

Conditions:
Hereditary cancer-predisposing syndrome. Also called: Tumor predisposition; Hereditary Cancer Syndrome; Neoplastic Syndromes, Hereditary; Hereditary neoplastic syndrome. Identifiers: Orphanet 140162, MedGen C0027672, MeSH D009386, MONDO:0015356.
Familial adenomatous polyposis 2. Also called: COLORECTAL ADENOMATOUS POLYPOSIS, AUTOSOMAL RECESSIVE; MYH-associated polyposis; FAP type 2; MUTYH-associated polyposis; MUTYH-related attenuated familial adenomatous polyposis; MUTYH Polyposis. Identifiers: Orphanet 220460, Orphanet 247798, MedGen C3272841, MONDO:0012041, OMIM 608456.

Allele frequency attached by ClinVar (database versions not stated): gnomAD exomes below 0.00001 and 0.00001.
gnomAD v4.1: 2 of 1,609,848 alleles (0.00012%); highest among the groups gnomAD compares: South Asian, 0.0022%; no homozygotes.

Submissions (2):

Ambry Genetics
Classification: Likely benign for Hereditary cancer-predisposing syndrome. Last evaluated: 2026-05-12. Review status: criteria provided, single submitter. Criteria: Ambry Variant Classification Scheme 2023. Collection method: clinical testing. Allele origin: germline.

Labcorp Genetics (formerly Invitae), Labcorp
Classification: Uncertain significance for Familial adenomatous polyposis 2. Last evaluated: 2024-04-08. Review status: criteria provided, single submitter. Criteria: Invitae Variant Classification Sherloc (09022015). Collection method: clinical testing. Allele origin: germline.
Comment: This sequence change replaces proline, which is neutral and non-polar, with serine, which is neutral and polar, at codon 345 of the MUTYH protein (p.Pro345Ser). The frequency data for this variant in the population databases is considered unreliable, as metrics indicate poor data quality at this position in the gnomAD database. This variant has not been reported in the literature in individuals affected with MUTYH-related conditions. ClinVar contains an entry for this variant (Variation ID: 579535). Algorithms developed to predict the effect of missense changes on protein structure and function output the following: SIFT: "Not Available"; PolyPhen-2: "Benign"; Align-GVGD: "Not Available". The serine amino acid residue is found in multiple mammalian species, which suggests that this missense change does not adversely affect protein function. In summary, the available evidence is currently insufficient to determine the role of this variant in disease. Therefore, it has been classified as a Variant of Uncertain Significance.

Literature cited by the submitters: PubMed 40738107 (cited by Ambry Genetics).